The following is an entry in ClinVar:

ClinVar aggregate classification (germline): Pathogenic. Review status: criteria provided, multiple submitters, no conflicts (2 of 4 stars). 2 submissions from 2 submitters: Pathogenic (2). Last evaluated 2024-09-12.

Conditions:
Retinoblastoma (RB1). Also called: RETINOBLASTOMA, SOMATIC. Identifiers: Orphanet 790, MedGen C0035335, MeSH D012175, MONDO:0008380, OMIM 180200, HP:0009919. Disease mechanism: loss of function. Inheritance: Both sporadic and heritable forms are tested..
Hereditary cancer-predisposing syndrome. Also called: Hereditary Cancer Syndrome; Neoplastic Syndromes, Hereditary; Hereditary neoplastic syndrome; Tumor predisposition. Identifiers: Orphanet 140162, MedGen C0027672, MeSH D009386, MONDO:0015356.

Submissions (3):

Ambry Genetics
Classification: Pathogenic for Hereditary cancer-predisposing syndrome. Last evaluated: 2024-09-12. Review status: criteria provided, single submitter. Criteria: Ambry Variant Classification Scheme 2023. Collection method: clinical testing. Allele origin: germline.
Comment: The c.1128-2A>G intronic pathogenic mutation results from an A to G substitution two nucleotides upstream from coding exon 12 in the RB1 gene. This variant has been reported in individuals diagnosed with retinoblastoma (Dommering CJ, et al. J. Med. Genet. 2014 Jun; 51(6):366-74; Ambry internal data). This variant is considered to be rare based on population cohorts in the Genome Aggregation Database (gnomAD). This nucleotide position is highly conserved in available vertebrate species. In silico splice site analysis predicts that this alteration will weaken the native splice acceptor site; however direct evidence is insufficient at this time (Amby internal data). In addition to the clinical data presented in the literature, alterations that disrupt the canonical splice site are expected to cause aberrant splicing, resulting in an abnormal protein or a transcript that is subject to nonsense-mediated mRNA decay. As such, this alteration is classified as a disease-causing mutation.

Genetic Diagnostic Laboratory, University of Pennsylvania School of Medicine
Classification: Pathogenic for Retinoblastoma. Last evaluated: 2024-05-20. Review status: criteria provided, single submitter. Criteria: ACMG Guidelines, 2015. Collection method: clinical testing. Allele origin: germline. Affected: yes. Observed: 2 variant alleles.
Comment: Case and Pedigree Information: BILATERAL CASES:2, UNILATERAL CASES:0, TOTAL CASES:2, PEDIGREES:2. ACMG Codes Applied:PVS1, PM2

Dr. Peter K. Rogan Lab, Western University
No classification provided (evidence only). Condition: Malignant tumor of urinary bladder. Review status: no classification provided. Collection method: in vitro. Allele origin: not applicable. Functional consequence: retained intron. Not counted in ClinVar's aggregate classification.

Literature cited by the submitters: PubMed 24688104 (cited by Ambry Genetics).

NM_000321.3(RB1):c.1128-2A>G

Gene: RB1 (RB transcriptional corepressor 1; plus strand). Cytogenetic location: 13q14.2.
Variant type: single nucleotide variant.
Coding change: c.1128-2A>G on transcript NM_000321.3 (MANE Select); the canonical splice acceptor site of the intron before coding-DNA position 1128, A replaced by G.
Molecular consequence: splice acceptor variant.
Genome position (GRCh38, 1-based): chr13:48,373,403, A>G. VCF-style: chr13-48373403-A-G. GRCh37 (hg19) VCF-style: chr13-48947539-A-G.
Other names: NC_000013.10:g.48947539A>G; c.1128-2A>G (NM_001407165.1, NM_001407166.1).
Identifiers: ClinVar variation 428715 (VCV000428715.8), dbSNP rs1131690892, ClinGen allele CA388161421.